The following is an entry in ClinVar:

ClinVar aggregate classification (germline): Uncertain significance. Review status: criteria provided, multiple submitters, no conflicts (2 of 4 stars). 2 submissions from 2 submitters: Uncertain significance (2). Last evaluated 2025-03-27.

Conditions:
Inborn genetic diseases. Identifiers: MedGen C0950123, MeSH D030342.
Fucosidosis. Also called: ALPHA-L-FUCOSIDASE DEFICIENCY. Identifiers: Orphanet 349, MedGen C0016788, MONDO:0009254, OMIM 230000.

gnomAD v4.1: 17 of 1,552,984 alleles (0.0011%); highest among the groups gnomAD compares: African/African-American, 0.0027%; no homozygotes.

Submissions (2):

Ambry Genetics
Classification: Uncertain significance for Inborn genetic diseases. Last evaluated: 2025-03-27. Review status: criteria provided, single submitter. Criteria: Ambry Variant Classification Scheme 2023. Collection method: clinical testing. Allele origin: germline.

Labcorp Genetics (formerly Invitae), Labcorp
Classification: Uncertain significance for Fucosidosis. Last evaluated: 2022-07-13. Review status: criteria provided, single submitter. Criteria: Invitae Variant Classification Sherloc (09022015). Collection method: clinical testing. Allele origin: germline.
Comment: This sequence change replaces methionine, which is neutral and non-polar, with valine, which is neutral and non-polar, at codon 6 of the FUCA1 protein (p.Met6Val). This variant is present in population databases (no rsID available, gnomAD 0.001%). This variant has not been reported in the literature in individuals affected with FUCA1-related conditions. Algorithms developed to predict the effect of missense changes on protein structure and function output the following: SIFT: "Tolerated"; PolyPhen-2: "Benign"; Align-GVGD: "Class C0". The valine amino acid residue is found in multiple mammalian species, which suggests that this missense change does not adversely affect protein function. In summary, the available evidence is currently insufficient to determine the role of this variant in disease. Therefore, it has been classified as a Variant of Uncertain Significance.

NM_000147.5(FUCA1):c.16A>G (p.Met6Val)

Gene: FUCA1 (alpha-L-fucosidase 1; minus strand). Cytogenetic location: 1p36.11.
Variant type: single nucleotide variant.
Coding change: c.16A>G on transcript NM_000147.5 (MANE Select); coding-DNA position 16, A replaced by G.
Protein change: p.Met6Val; replaces methionine 6 with valine.
Molecular consequence: missense variant. On other transcripts: non-coding transcript variant (4).
Genome position (GRCh38, 1-based): chr1:23,868,271, T>C on the plus strand (A>G on the coding strand, the complement: FUCA1 is on the minus strand). VCF-style: chr1-23868271-T-C. GRCh37 (hg19) VCF-style: chr1-24194761-T-C.
Other names: c.16A>G (NM_000147.4); short protein forms M6V.
Identifiers: ClinVar variation 2164377 (VCV002164377.2), dbSNP rs1325330166, ClinGen allele CA339011021.